The following is an entry in ClinVar:

ClinVar aggregate classification (germline): Uncertain significance (1 of 4 stars; one submission).

Allele frequency attached by ClinVar (database versions not stated): gnomAD 0.00001; TOPMed 0.00001.
gnomAD v4.1: 9 of 1,614,070 alleles (0.00056%); highest among the groups gnomAD compares: African/African-American, 0.0027%; no homozygotes.

Submission:

Labcorp Genetics (formerly Invitae), Labcorp
Classification: Uncertain significance. Last evaluated: 2022-02-24. Review status: criteria provided, single submitter. Criteria: Invitae Variant Classification Sherloc (09022015). Collection method: clinical testing. Allele origin: germline.
Comment: This sequence change replaces tyrosine, which is neutral and polar, with cysteine, which is neutral and slightly polar, at codon 324 of the OSGEP protein (p.Tyr324Cys). This variant is present in population databases (no rsID available, gnomAD 0.007%). This variant has not been reported in the literature in individuals affected with OSGEP-related conditions. Algorithms developed to predict the effect of missense changes on protein structure and function (SIFT, PolyPhen-2, Align-GVGD) all suggest that this variant is likely to be disruptive. In summary, the available evidence is currently insufficient to determine the role of this variant in disease. Therefore, it has been classified as a Variant of Uncertain Significance.

NM_017807.4(OSGEP):c.971A>G (p.Tyr324Cys)

Gene: OSGEP (O-sialoglycoprotein endopeptidase; minus strand). Cytogenetic location: 14q11.2.
Variant type: single nucleotide variant.
Coding change: c.971A>G on transcript NM_017807.4 (MANE Select); coding-DNA position 971, A replaced by G.
Protein change: p.Tyr324Cys; replaces tyrosine 324 with cysteine.
Molecular consequence: missense variant.
Genome position (GRCh38, 1-based): chr14:20,447,277, T>C on the plus strand (A>G on the coding strand, the complement: OSGEP is on the minus strand). VCF-style: chr14-20447277-T-C. GRCh37 (hg19) VCF-style: chr14-20915436-T-C.
Other names: short protein forms Y324C.
Identifiers: ClinVar variation 2173908 (VCV002173908.4), dbSNP rs1397975738, ClinGen allele CA389115231.